The following is an entry in ClinVar:

ClinVar aggregate classification (germline): Benign (1 of 4 stars; one submission).

Allele frequency attached by ClinVar (database versions not stated): gnomAD 0.14919; TOPMed 0.15721; 1000 Genomes Project 0.16953; 1000 Genomes Project 30x 0.17083.
gnomAD v4.1: 157,555 of 1,413,236 alleles (11%); highest among the groups gnomAD compares: African/African-American, 26%; 10,223 homozygotes.

Submission:

Unidad de Genómica Garrahan, Hospital de Pediatría Garrahan
Classification: Benign. Last evaluated: 2024-01-24. Review status: criteria provided, single submitter. Criteria: ACMG Guidelines, 2015. Collection method: clinical testing. Allele origin: germline. Affected: no. Observed: 18 variant alleles.
Comment: This variant is classified as Benign based on local population frequency. This variant was detected in 20% of patients studied by a panel of primary immunodeficiencies. Number of patients: 18. Only high quality variants are reported.

NM_001330588.2(TPP2):c.939+73C>G

Gene: TPP2 (tripeptidyl peptidase 2; plus strand). Cytogenetic location: 13q33.1.
Variant type: single nucleotide variant.
Coding change: c.939+73C>G on transcript NM_001330588.2 (MANE Select); 73 bases into the intron after coding-DNA position 939, C replaced by G.
Molecular consequence: intron variant.
Genome position (GRCh38, 1-based): chr13:102,627,239, C>G. VCF-style: chr13-102627239-C-G. GRCh37 (hg19) VCF-style: chr13-103279589-C-G.
Other names: c.939+73C>G (NM_001367947.1, NM_003291.4).
Identifiers: ClinVar variation 2688509 (VCV002688509.2), dbSNP rs16960258, ClinGen allele CA15775525.